The following is an entry in ClinVar:

ClinVar aggregate classification (germline): Uncertain significance (1 of 4 stars; one submission).

Conditions:
Cardiomyopathy (CMYO). Also called: Cardiomyopathies. Identifiers: Orphanet 167848, MedGen C0878544, MONDO:0004994, HP:0001638. Inheritance: Various modes of inheritance.

Submission:

Color Diagnostics, LLC DBA Color Health
Classification: Uncertain significance for Cardiomyopathy. Last evaluated: 2025-06-17. Review status: criteria provided, single submitter. Criteria: ACMG Guidelines, 2015. Collection method: clinical testing. Allele origin: germline.
Comment: This missense variant replaces alanine with threonine at codon 2 of the PKP2 protein. Computational prediction suggests that this variant may not impact protein structure and function. To our knowledge, functional studies have not been reported for this variant. This variant has not been reported in individuals affected with PKP2-related disorders in the literature. This variant has not been identified in the general population by the Genome Aggregation Database (gnomAD). The available evidence is insufficient to determine the role of this variant in disease conclusively. Therefore, this variant is classified as a Variant of Uncertain Significance.

NM_001005242.3(PKP2):c.4G>A (p.Ala2Thr)

Gene: PKP2 (plakophilin 2; minus strand). Cytogenetic location: 12p11.21.
Variant type: single nucleotide variant.
Coding change: c.4G>A on transcript NM_001005242.3 (MANE Select); coding-DNA position 4, G replaced by A.
Protein change: p.Ala2Thr; replaces alanine 2 with threonine.
Molecular consequence: missense variant. On other transcripts: 5 prime UTR variant (4).
Genome position (GRCh38, 1-based): chr12:32,896,728, C>T on the plus strand (G>A on the coding strand, the complement: PKP2 is on the minus strand). VCF-style: chr12-32896728-C-T. GRCh37 (hg19) VCF-style: chr12-33049662-C-T.
Other names: c.4G>A, p.Ala2Thr (NM_001407155.1, NM_001407156.1, NM_001407157.1 and 2 more transcripts); c.-823G>A (NM_001407158.1, NM_001407162.1); c.-587G>A (NM_001407159.1, NM_001407160.1); short protein forms A2T.
Identifiers: ClinVar variation 4757118 (VCV004757118.1).